The following is an entry in ClinVar:

ClinVar aggregate classification (germline): Uncertain significance (1 of 4 stars; one submission).

Conditions:
Familial thoracic aortic aneurysm and aortic dissection (TAAD). Also called: Thoracic aortic aneurysms and dissections. Identifiers: Orphanet 91387, MedGen C4707243, MONDO:0019625.

Submission:

Ambry Genetics
Classification: Uncertain significance for Familial thoracic aortic aneurysm and aortic dissection. Last evaluated: 2026-01-21. Review status: criteria provided, single submitter. Criteria: Ambry Variant Classification Scheme 2023. Collection method: clinical testing. Allele origin: germline.
Comment: The c.5027C>T (p.P1676L) alteration is located in exon 41 (coding exon 40) of the FBN1 gene. This alteration results from a C to T substitution at nucleotide position 5027, causing the proline (P) at amino acid position 1676 to be replaced by a leucine (L). Based on data from gnomAD, the T allele has an overall frequency of <0.001% (1/251120) total alleles studied. The highest observed frequency was 0.001% (1/113570) of European (non-Finnish) alleles. Based on insufficient or conflicting evidence, the clinical significance of this alteration remains unclear.

NM_000138.5(FBN1):c.5027C>T (p.Pro1676Leu)

Gene: FBN1 (fibrillin 1; minus strand). Cytogenetic location: 15q21.1.
Variant type: single nucleotide variant.
Coding change: c.5027C>T on transcript NM_000138.5 (MANE Select); coding-DNA position 5027, C replaced by T.
Protein change: p.Pro1676Leu; replaces proline 1676 with leucine.
Molecular consequence: missense variant.
Genome position (GRCh38, 1-based): chr15:48,463,937, G>A on the plus strand (C>T on the coding strand, the complement: FBN1 is on the minus strand). VCF-style: chr15-48463937-G-A. GRCh37 (hg19) VCF-style: chr15-48756134-G-A.
Other names: c.5027C>T, p.Pro1676Leu (NM_001406716.1); short protein forms P1676L.
Identifiers: ClinVar variation 4839572 (VCV004839572.1).